The following is an entry in ClinVar:

NM_000548.5(TSC2):c.4234C>T (p.Pro1412Ser)

Gene: TSC2 (TSC complex subunit 2; plus strand). Cytogenetic location: 16p13.3.
Variant type: single nucleotide variant.
Coding change: c.4234C>T on transcript NM_000548.5 (MANE Select); coding-DNA position 4234, C replaced by T.
Protein change: p.Pro1412Ser; replaces proline 1412 with serine.
Molecular consequence: missense variant.
Genome position (GRCh38, 1-based): chr16:2,084,456, C>T. VCF-style: chr16-2084456-C-T. GRCh37 (hg19) VCF-style: chr16-2134457-C-T.
Other names: c.4033C>T, p.Pro1345Ser (NM_001077183.3); c.4165C>T, p.Pro1389Ser (NM_001114382.3); c.3925C>T, p.Pro1309Ser (NM_001318827.2); c.3889C>T, p.Pro1297Ser (NM_001318829.2); c.3502C>T, p.Pro1168Ser (NM_001318831.2); c.4066C>T, p.Pro1356Ser (NM_001318832.2); c.4036C>T, p.Pro1346Ser (NM_001363528.2); c.4102C>T, p.Pro1368Ser (NM_001370404.1); and 1 more; short protein forms P1345S, P1346S, P1368S, P1309S, P1356S, P1369S, P1389S, P1168S.
Identifiers: ClinVar variation 824705 (VCV000824705.18), dbSNP rs1480313663, ClinGen allele CA394300280.
Genomic context (GRCh38, chr16:2,084,456, plus strand): 5'-CAGACTCTGCAGGACATCCTCGGGGACCCTGGGGACAAGGCCGACGTGGGCCGGCTGAGC[C>T]CTGAGGTTAAGGCCCGGTCACAGTCAGGGACCCTGGACGGGGAAAGTGCTGCCTGGTCGG-3'
Protein context (NP_000539.2, residues 1402-1422): GDKADVGRLS[Pro1412Ser]EVKARSQSGT

ClinVar aggregate classification (germline): Uncertain significance. Review status: criteria provided, multiple submitters, no conflicts (2 of 4 stars). 4 submissions from 4 submitters: Uncertain significance (4). Last evaluated 2025-03-31.

Conditions:
Hereditary cancer-predisposing syndrome. Also called: Neoplastic Syndromes, Hereditary; Hereditary Cancer Syndrome; Hereditary neoplastic syndrome; Tumor predisposition. Identifiers: Orphanet 140162, MedGen C0027672, MeSH D009386, MONDO:0015356.
Tuberous sclerosis syndrome (TSC). Also called: Tuberous Sclerosis Complex; Tuberous sclerosis. Identifiers: Orphanet 805, MedGen C0041341, MONDO:0001734.
Tuberous sclerosis 2 (TSC2). Identifiers: Orphanet 805, MedGen C1860707, MONDO:0013199, OMIM 613254.

Allele frequency attached by ClinVar (database versions not stated): TOPMed below 0.00001.
gnomAD v4.1: 3 of 1,609,466 alleles (0.00019%); highest among the groups gnomAD compares: Non-Finnish European, 0.00025%; no homozygotes.

Submissions (4):

Labcorp Genetics (formerly Invitae), Labcorp
Classification: Uncertain significance for Tuberous sclerosis 2. Last evaluated: 2025-03-31. Review status: criteria provided, single submitter. Criteria: Invitae Variant Classification Sherloc (09022015). Collection method: clinical testing. Allele origin: germline.
Comment: This sequence change replaces proline, which is neutral and non-polar, with serine, which is neutral and polar, at codon 1412 of the TSC2 protein (p.Pro1412Ser). This variant is not present in population databases (gnomAD no frequency). This variant has not been reported in the literature in individuals affected with TSC2-related conditions. ClinVar contains an entry for this variant (Variation ID: 824705). Invitae Evidence Modeling of protein sequence and biophysical properties (such as structural, functional, and spatial information, amino acid conservation, physicochemical variation, residue mobility, and thermodynamic stability) indicates that this missense variant is not expected to disrupt TSC2 protein function with a negative predictive value of 95%. In summary, the available evidence is currently insufficient to determine the role of this variant in disease. Therefore, it has been classified as a Variant of Uncertain Significance.

All of Us Research Program, National Institutes of Health
Classification: Uncertain significance for Tuberous sclerosis syndrome. Last evaluated: 2024-08-06. Review status: criteria provided, single submitter. Criteria: ACMG Guidelines, 2015. Collection method: clinical testing. Allele origin: germline. Inheritance: Autosomal dominant inheritance. Observed: 2 variant alleles, 2 heterozygotes.
Comment: This study involves interpretation of variants in research participants for the purpose of population health screening. Participant phenotype was not available at the time of variant classification. Additional details can be found in publication PMID: 35346344, PMCID: PMC8962531

Ambry Genetics
Classification: Uncertain significance for Hereditary cancer-predisposing syndrome. Last evaluated: 2024-03-08. Review status: criteria provided, single submitter. Criteria: Ambry Variant Classification Scheme 2023. Collection method: clinical testing. Allele origin: germline.
Comment: The p.P1412S variant (also known as c.4234C>T), located in coding exon 33 of the TSC2 gene, results from a C to T substitution at nucleotide position 4234. The proline at codon 1412 is replaced by serine, an amino acid with similar properties. This amino acid position is not well conserved in available vertebrate species. In addition, the in silico prediction for this alteration is inconclusive. Based on the available evidence, the clinical significance of this alteration remains unclear.

Genome-Nilou Lab
Classification: Uncertain significance for Tuberous sclerosis 2. Last evaluated: 2021-11-07. Review status: criteria provided, single submitter. Criteria: ACMG Guidelines, 2015. Collection method: clinical testing. Allele origin: germline. Affected: no.